The following is an entry in ClinVar:

NM_002439.5(MSH3):c.986A>T (p.Lys329Ile)

Genes: MSH3 (mutS homolog 3; plus strand), LOC126807437 (MED14-independent group 3 enhancer GRCh37_chr5:79968379-79969578; plus strand). Cytogenetic location: 5q14.1.
Variant type: single nucleotide variant.
Coding change: c.986A>T on transcript NM_002439.5 (MANE Select); coding-DNA position 986, A replaced by T.
Protein change: p.Lys329Ile; replaces lysine 329 with isoleucine.
Molecular consequence: missense variant.
Genome position (GRCh38, 1-based): chr5:80,672,817, A>T. VCF-style: chr5-80672817-A-T. GRCh37 (hg19) VCF-style: chr5-79968636-A-T.
Other names: short protein forms K329I.
Identifiers: ClinVar variation 1345752 (VCV001345752.8), dbSNP rs2112814337, ClinGen allele CA360267478.

ClinVar aggregate classification (germline): Uncertain significance (1 of 4 stars; one submission).

Submission:

Labcorp Genetics (formerly Invitae), Labcorp
Classification: Uncertain significance. Last evaluated: 2021-02-21. Review status: criteria provided, single submitter. Criteria: Invitae Variant Classification Sherloc (09022015). Collection method: clinical testing. Allele origin: germline.
Comment: This variant is not present in population databases (ExAC no frequency). This variant has not been reported in the literature in individuals with MSH3-related conditions. Algorithms developed to predict the effect of missense changes on protein structure and function (SIFT, PolyPhen-2, Align-GVGD) all suggest that this variant is likely to be disruptive, but these predictions have not been confirmed by published functional studies and their clinical significance is uncertain. In summary, the available evidence is currently insufficient to determine the role of this variant in disease. Therefore, it has been classified as a Variant of Uncertain Significance. This sequence change replaces lysine with isoleucine at codon 329 of the MSH3 protein (p.Lys329Ile). The lysine residue is highly conserved and there is a moderate physicochemical difference between lysine and isoleucine.